The following is an entry in ClinVar:

Single allele

Genes: CYFIP1 (cytoplasmic FMR1 interacting protein 1; minus strand), GOLGA6L1 (golgin A6 family like 1; minus strand), NIPA1 (NIPA magnesium transporter 1; plus strand), NIPA2 (NIPA magnesium transporter 2; plus strand), TUBGCP5 (tubulin gamma complex component 5; minus strand). Cytogenetic location: 15q11.2.
Variant type: Deletion.
Identifiers: ClinVar variation 236398 (VCV000236398.1).

ClinVar aggregate classification (germline): Uncertain significance (1 of 4 stars; one submission).

Conditions:
Autism spectrum disorder. Also called: Autism spectrum disorders. Identifiers: MedGen C1510586, MeSH D000067877, MONDO:0005258.

Submission:

Geschwind lab, University of California Los Angeles
Classification: Uncertain significance for Autism spectrum disorder. Last evaluated: 2015-10-12. Review status: criteria provided, single submitter. Criteria: ACMG CNV Guidelines 2011. Collection method: research. Allele origin: maternal. Affected: yes. Observed: 1 variant allele.

Literature cited by the submitters: PubMed 27569545.